The following is an entry in ClinVar:

ClinVar aggregate classification (germline): Likely benign. Review status: criteria provided, multiple submitters, no conflicts (2 of 4 stars). 3 submissions from 3 submitters: Likely benign (3). Last evaluated 2025-12-16.

Conditions:
Cardiovascular phenotype. Identifiers: MedGen CN230736.
Hypertrophic cardiomyopathy 14. Identifiers: MedGen C2750467, MONDO:0013197, OMIM 613251.

Allele frequency attached by ClinVar (database versions not stated): gnomAD exomes below 0.00001; TOPMed 0.00002; gnomAD 0.00004.

Submissions (3):

Labcorp Genetics (formerly Invitae), Labcorp
Classification: Likely benign for Hypertrophic cardiomyopathy 14. Last evaluated: 2025-12-16. Review status: criteria provided, single submitter. Criteria: Invitae Variant Classification Sherloc (09022015). Collection method: clinical testing. Allele origin: germline.

Ambry Genetics
Classification: Likely benign for Cardiovascular phenotype. Last evaluated: 2022-06-02. Review status: criteria provided, single submitter. Criteria: Ambry Variant Classification Scheme 2023. Collection method: clinical testing. Allele origin: germline.

Laboratory for Molecular Medicine, Mass General Brigham Personalized Medicine
Classification: Likely benign. Last evaluated: 2015-10-31. Review status: criteria provided, single submitter. Criteria: LMM Criteria. Collection method: clinical testing. Allele origin: germline. Observed: 1 variant allele.
Comment: p.Thr1375Thr in exon 29 of MYH6: This variant is not expected to have clinical s ignificance because it does not alter an amino acid residue and is not located w ithin the splice consensus sequence.

NM_002471.4(MYH6):c.4125C>G (p.Thr1375=)

Gene: MYH6 (myosin heavy chain 6; minus strand). Cytogenetic location: 14q11.2.
Variant type: single nucleotide variant.
Coding change: c.4125C>G on transcript NM_002471.4 (MANE Select); coding-DNA position 4125, C replaced by G.
Protein change: p.Thr1375=; no amino-acid change (threonine 1375 retained).
Molecular consequence: synonymous variant.
Genome position (GRCh38, 1-based): chr14:23,388,909, G>C on the plus strand (C>G on the coding strand, the complement: MYH6 is on the minus strand). VCF-style: chr14-23388909-G-C. GRCh37 (hg19) VCF-style: chr14-23858118-G-C.
Identifiers: ClinVar variation 227591 (VCV000227591.8), dbSNP rs876657518, ClinGen allele CA10576944.
Genomic context (GRCh38, chr14:23,388,909, plus strand): 5'-TGGAGCTCACTTGGCCTCTTCGAGCTCCTCAGTCCGCTGAATGGCGTCCGTCTCATACTT[G>C]GTCCTCCACTGGGCCACCTCCGAGTTGGCCTTGGACAGGACGCGCTGCAGCTCGGCCTTG-3'
Protein context (NP_002462.2, residues 1365-1385): KANSEVAQWR[Thr1375=]KYETDAIQRT